The following is an entry in ClinVar:

ClinVar aggregate classification (germline): Pathogenic (1 of 4 stars; one submission).

Conditions:
Ataxia-telangiectasia syndrome (AT). Also called: Ataxia-telangiectasia; LOUIS-BAR SYNDROME; Ataxia-telangiectasia, complementation group D; AT, COMPLEMENTATION GROUP C; ATAXIA-TELANGIECTASIA, COMPLEMENTATION GROUP A; ATAXIA-TELANGIECTASIA, FRESNO VARIANT. Identifiers: Orphanet 100, MedGen C0004135, MONDO:0008840, OMIM 208900.

Submission:

Labcorp Genetics (formerly Invitae), Labcorp
Classification: Pathogenic for Ataxia-telangiectasia syndrome. Last evaluated: 2024-05-20. Review status: criteria provided, single submitter. Criteria: Invitae Variant Classification Sherloc (09022015). Collection method: clinical testing. Allele origin: germline.
Comment: This sequence change creates a premature translational stop signal (p.Tyr2202*) in the ATM gene. It is expected to result in an absent or disrupted protein product. Loss-of-function variants in ATM are known to be pathogenic (PMID: 23807571, 25614872). This variant is not present in population databases (gnomAD no frequency). This premature translational stop signal has been observed in individual(s) with prostate cancer (PMID: 31214711). ClinVar contains an entry for this variant (Variation ID: 1359901). For these reasons, this variant has been classified as Pathogenic.

Literature cited by the submitters: PubMed 23807571; PubMed 25614872; PubMed 31214711.

NM_000051.4(ATM):c.6606_6609del (p.Val2201_Tyr2202insTer)

Genes: C11orf65 (chromosome 11 open reading frame 65; minus strand), ATM (ATM serine/threonine kinase; plus strand). Cytogenetic location: 11q22.3.
Variant type: Deletion.
Coding change: c.6606_6609del on transcript NM_000051.4 (MANE Select); coding-DNA positions 6606 to 6609, 4 bases deleted (TATT; older notation c.6606_6609delTATT).
Protein change: p.Val2201_Tyr2202insTer.
Molecular consequence: nonsense. On other transcripts: intron variant (2).
Genome position (GRCh38, 1-based): chr11:108,325,343-108,325,346, TATT deleted. VCF-style (leftmost placement, unchanged base first): chr11-108325342-ATATT-A. GRCh37 (hg19) VCF-style: chr11-108196069-ATATT-A.
Other names: c.6606_6609del, p.Val2201_Tyr2202insTer (NM_001351834.2); c.641-16275_641-16272del (NM_001330368.2); c.*38+9874_*38+9877del (NM_001351110.2).
Identifiers: ClinVar variation 1359901 (VCV001359901.6), dbSNP rs2136308396, ClinGen allele CA645596410.